The following is an entry in ClinVar:

ClinVar aggregate classification (germline): Uncertain significance. Review status: criteria provided, multiple submitters, no conflicts (2 of 4 stars). 2 submissions from 2 submitters: Uncertain significance (2). Last evaluated 2025-12-23.

Conditions:
Hereditary cancer-predisposing syndrome. Also called: Tumor predisposition; Hereditary neoplastic syndrome; Neoplastic Syndromes, Hereditary; Hereditary Cancer Syndrome. Identifiers: Orphanet 140162, MedGen C0027672, MeSH D009386, MONDO:0015356.

Submissions (2):

Labcorp Genetics (formerly Invitae), Labcorp
Classification: Uncertain significance. Last evaluated: 2025-12-23. Review status: criteria provided, single submitter. Criteria: Invitae Variant Classification Sherloc (09022015). Collection method: clinical testing. Allele origin: germline.
Comment: This variant, c.443_445del, results in the deletion of 1 amino acid(s) of the NTHL1 protein (p.Ala148del), but otherwise preserves the integrity of the reading frame. This variant is present in population databases (rs774894275, gnomAD 0.0009%). This variant has not been reported in the literature in individuals affected with NTHL1-related conditions. ClinVar contains an entry for this variant (Variation ID: 862318). Experimental studies and prediction algorithms are not available or were not evaluated, and the functional significance of this variant is currently unknown. In summary, the available evidence is currently insufficient to determine the role of this variant in disease. Therefore, it has been classified as a Variant of Uncertain Significance.

Ambry Genetics
Classification: Uncertain significance for Hereditary cancer-predisposing syndrome. Last evaluated: 2023-09-07. Review status: criteria provided, single submitter. Criteria: Ambry Variant Classification Scheme 2023. Collection method: clinical testing. Allele origin: germline.
Comment: The c.443_445delCGG variant (also known as p.A148del) is located in coding exon 3 of the NTHL1 gene. This variant results from an in-frame CGG deletion at nucleotide positions 443 to 445. This results in the in-frame deletion of an alanine at codon 148. This amino acid position is well conserved in available vertebrate species. In addition, this alteration is predicted to be deleterious by in silico analysis (Choi Y et al. PLoS ONE. 2012; 7(10):e46688). Since supporting evidence is limited at this time, the clinical significance of this alteration remains unclear.

NM_002528.7(NTHL1):c.416CGG[1] (p.Ala140del)

Gene: NTHL1 (nth like DNA glycosylase 1; minus strand). Cytogenetic location: 16p13.3.
Variant type: Microsatellite.
Coding change: c.416CGG[1] on transcript NM_002528.7 (MANE Select); one copy of the 3-base unit CGG starting at c.416; the reference has two copies in a row; one copy, 3 bases deleted.
Protein change: p.Ala140del; deletes alanine 140.
Molecular consequence: inframe deletion. On other transcripts: intron variant (1).
Genome position (GRCh38, 1-based): chr16:2,044,734-2,044,736, CCG deleted on the plus strand (CGG on the coding strand, the reverse complement: NTHL1 is on the minus strand); deleting any 3 consecutive bases within chr16:2,044,734-2,044,739 gives the same sequence; the position shown is the placement nearest the transcript's 3' end. VCF-style (leftmost placement, unchanged base first): chr16-2044733-CCCG-C. GRCh37 (hg19) VCF-style: chr16-2094734-CCCG-C.
Other names: c.86CGG[1], p.Ala30del (NM_001318194.2); c.355-1010_355-1008del (NM_001318193.2); short protein forms A140del, A30del.
Identifiers: ClinVar variation 862318 (VCV000862318.10), dbSNP rs774894275, ClinGen allele CA7828265.